The following is an entry in ClinVar:

NM_001080414.4(CCDC88C):c.5120dup (p.Ala1708fs)

Gene: CCDC88C (coiled-coil and HOOK domain protein 88C; minus strand). Cytogenetic location: 14q32.11.
Variant type: Duplication.
Coding change: c.5120dup on transcript NM_001080414.4 (MANE Select); coding-DNA position 5120, one base duplicated (C; older notation c.5120dupC).
Protein change: p.Ala1708fs; shifts the reading frame from alanine 1708.
Molecular consequence: frameshift variant.
Genome position (GRCh38, 1-based): chr14:91,273,592, G duplicated on the plus strand (C on the coding strand, the reverse complement: CCDC88C is on the minus strand); the first of 5 consecutive G bases (chr14:91,273,592-91,273,596); duplicating any one gives the same sequence. VCF-style (leftmost placement, unchanged base first): chr14-91273591-T-TG. GRCh37 (hg19) VCF-style: chr14-91739935-T-TG.
Other names: short protein forms A1708fs.
Identifiers: ClinVar variation 2710115 (VCV002710115.3), dbSNP rs764178205, ClinGen allele CA7308727.

ClinVar aggregate classification (germline): Pathogenic (1 of 4 stars; one submission).

Submission:

Labcorp Genetics (formerly Invitae), Labcorp
Classification: Pathogenic. Last evaluated: 2024-01-18. Review status: criteria provided, single submitter. Criteria: Invitae Variant Classification Sherloc (09022015). Collection method: clinical testing. Allele origin: germline.
Comment: This sequence change creates a premature translational stop signal (p.Ala1708Serfs*52) in the CCDC88C gene. While this is not anticipated to result in nonsense mediated decay, it is expected to disrupt the last 321 amino acid(s) of the CCDC88C protein. This variant is present in population databases (rs764178205, gnomAD 0.001%). This variant has not been reported in the literature in individuals affected with CCDC88C-related conditions. This variant disrupts a region of the CCDC88C protein in which other variant(s) (p.Glu1949Glyfs*26) have been determined to be pathogenic (PMID: 23042809). This suggests that this is a clinically significant region of the protein, and that variants that disrupt it are likely to be disease-causing. For these reasons, this variant has been classified as Pathogenic.

Literature cited by the submitters: PubMed 23042809.